The following is an entry in ClinVar:

ClinVar aggregate classification (germline): Uncertain significance (1 of 4 stars; one submission).

Submission:

Labcorp Genetics (formerly Invitae), Labcorp
Classification: Uncertain significance. Last evaluated: 2025-01-22. Review status: criteria provided, single submitter. Criteria: Invitae Variant Classification Sherloc (09022015). Collection method: clinical testing. Allele origin: germline.
Comment: This sequence change replaces threonine, which is neutral and polar, with lysine, which is basic and polar, at codon 612 of the KANK2 protein (p.Thr612Lys). This variant is not present in population databases (gnomAD no frequency). This variant has not been reported in the literature in individuals affected with KANK2-related conditions. An algorithm developed to predict the effect of missense changes on protein structure and function (PolyPhen-2) suggests that this variant is likely to be tolerated. In summary, the available evidence is currently insufficient to determine the role of this variant in disease. Therefore, it has been classified as a Variant of Uncertain Significance.

NM_001136191.3(KANK2):c.1835C>A (p.Thr612Lys)

Gene: KANK2 (KN motif and ankyrin repeat domains 2; minus strand). Cytogenetic location: 19p13.2.
Variant type: single nucleotide variant.
Coding change: c.1835C>A on transcript NM_001136191.3 (MANE Select); coding-DNA position 1835, C replaced by A.
Protein change: p.Thr612Lys; replaces threonine 612 with lysine.
Molecular consequence: missense variant.
Genome position (GRCh38, 1-based): chr19:11,175,915, G>T on the plus strand (C>A on the coding strand, the complement: KANK2 is on the minus strand). VCF-style: chr19-11175915-G-T. GRCh37 (hg19) VCF-style: chr19-11286591-G-T.
Other names: c.1859C>A, p.Thr620Lys (NM_001379548.1, NM_015493.7, NM_001379549.1 and 5 more transcripts); c.1835C>A, p.Thr612Lys (NM_001379559.1, NM_001379560.1, NM_001379561.1 and 7 more transcripts); short protein forms T612K, T620K.
Identifiers: ClinVar variation 3691293 (VCV003691293.2).